The following is an entry in ClinVar:

NM_001009944.3(PKD1):c.11552del (p.Phe3851fs)

Genes: PKD1 (polycystin 1, transient receptor potential channel interacting; minus strand), PKD1-AS1 (PKD1 antisense RNA 1; plus strand). Cytogenetic location: 16p13.3.
Variant type: Deletion.
Coding change: c.11552del on transcript NM_001009944.3 (MANE Select); coding-DNA position 11552, one base deleted (T; older notation c.11552delT).
Protein change: p.Phe3851fs; shifts the reading frame from phenylalanine 3851.
Molecular consequence: frameshift variant. On other transcripts: non-coding transcript variant (1).
Genome position (GRCh38, 1-based): chr16:2,091,583, A deleted on the plus strand (T on the coding strand, the reverse complement: PKD1 is on the minus strand); the first of 2 consecutive A bases (chr16:2,091,583-2,091,584); deleting either gives the same sequence. VCF-style (leftmost placement, unchanged base first): chr16-2091582-GA-G. GRCh37 (hg19) VCF-style: chr16-2141583-GA-G.
Other names: c.11549del, p.Phe3850fs (NM_000296.4); short protein forms F3850fs, F3851fs.
Identifiers: ClinVar variation 997272 (VCV000997272.1), dbSNP rs2091580617, ClinGen allele CA2202017690.

ClinVar aggregate classification (germline): Pathogenic (0 of 4 stars; one submission).

Conditions:
Polycystic kidney disease. Also called: Polycystic kidney dysplasia; Kidney, Polycystic. Identifiers: MedGen C0022680, MeSH D007690, MONDO:0020642, HP:0000113.

Submission:

Department of Pathology and Laboratory Medicine, Sinai Health System
Classification: Pathogenic for Polycystic Kidney disease. Review status: no assertion criteria provided. Collection method: clinical testing. Allele origin: unknown. Affected: yes. Study: The Canadian Open Genetics Repository (COGR).
Comment: The PKD1 p.Phe3851SerfsX94 variant was not identified in the literature, nor was it identified in dbSNP, the 1000 Genomes Project, the NHLBI Exome Sequencing Project, the Exome Aggregation Consortium, GeneInsight COGR, ClinVar, Clinvitae, MutDB, ADPKD Mutation Database, PKD1-LOVD, or PKD1-LOVD 3.0. The variant occurs outside of the splicing consensus sequence and 1 of 5 in silico or computational prediction software programs (SpliceSiteFinder, MaxEntScan, NNSPLICE, GeneSplicer, HumanSpliceFinder) predict a greater than 10% difference in splicing; this is not very predictive of pathogenicity. The c.11552del variant is predicted to cause a frameshift, which alters the protein amino acid sequence beginning at codon 3851 and leads to a premature stop codon 94 codons downstream. This alteration is then predicted to result in a truncated or absent protein and loss of function. Loss of function variants of the PKD1 gene are an established mechanism of disease in autosomal dominant polycystic kidney disease and is the type of variant expected to cause the disorder. In summary, based on the above information, this variant meets our laboratoryâ€šÃ„Ã´s criteria to be classified as pathogenic.